The following is an entry in ClinVar:

ClinVar aggregate classification (germline): Uncertain significance (1 of 4 stars; one submission).

Allele frequency attached by ClinVar (database versions not stated): gnomAD exomes below 0.00001.
gnomAD v4.1: 1 of 1,613,910 alleles (0.000062%); highest among the groups gnomAD compares: Middle Eastern, 0.016%; no homozygotes.

Submission:

Labcorp Genetics (formerly Invitae), Labcorp
Classification: Uncertain significance. Last evaluated: 2021-09-05. Review status: criteria provided, single submitter. Criteria: Invitae Variant Classification Sherloc (09022015). Collection method: clinical testing. Allele origin: germline.
Comment: In summary, the available evidence is currently insufficient to determine the role of this variant in disease. Therefore, it has been classified as a Variant of Uncertain Significance. Algorithms developed to predict the effect of missense changes on protein structure and function (SIFT, PolyPhen-2, Align-GVGD) all suggest that this variant is likely to be tolerated. This variant has not been reported in the literature in individuals affected with FAM161A-related conditions. This variant is not present in population databases (ExAC no frequency). This sequence change replaces alanine with glycine at codon 221 of the FAM161A protein (p.Ala221Gly). The alanine residue is moderately conserved and there is a small physicochemical difference between alanine and glycine.

NM_001201543.2(FAM161A):c.662C>G (p.Ala221Gly)

Gene: FAM161A (FAM161 centrosomal protein A; minus strand). Cytogenetic location: 2p15.
Variant type: single nucleotide variant.
Coding change: c.662C>G on transcript NM_001201543.2 (MANE Select); coding-DNA position 662, C replaced by G.
Protein change: p.Ala221Gly; replaces alanine 221 with glycine.
Molecular consequence: missense variant. On other transcripts: non-coding transcript variant (1).
Genome position (GRCh38, 1-based): chr2:61,840,342, G>C on the plus strand (C>G on the coding strand, the complement: FAM161A is on the minus strand). VCF-style: chr2-61840342-G-C. GRCh37 (hg19) VCF-style: chr2-62067477-G-C.
Other names: c.662C>G, p.Ala221Gly (NM_032180.3); short protein forms A221G.
Identifiers: ClinVar variation 1379774 (VCV001379774.6), dbSNP rs2105083270, ClinGen allele CA346988661.